The following is an entry in ClinVar:

ClinVar aggregate classification (germline): Uncertain significance (1 of 4 stars; one submission).

Submission:

CeGaT Center for Human Genetics Tuebingen
Classification: Uncertain significance. Last evaluated: 2024-10-01. Review status: criteria provided, single submitter. Criteria: CeGaT Center For Human Genetics Tuebingen Variant Classification Criteria Version 2. Collection method: clinical testing. Allele origin: germline. Affected: yes. Observed: 1 variant allele.
Comment: SCN1A: PM2, PP2, PP3, PS4:Supporting

NM_001165963.4(SCN1A):c.4435A>T (p.Ile1479Phe)

Genes: SCN1A (sodium voltage-gated channel alpha subunit 1; minus strand), LOC102724058 (uncharacterized LOC102724058; plus strand). Cytogenetic location: 2q24.3.
Variant type: single nucleotide variant.
Coding change: c.4435A>T on transcript NM_001165963.4 (MANE Select); coding-DNA position 4435, A replaced by T.
Protein change: p.Ile1479Phe; replaces isoleucine 1479 with phenylalanine.
Molecular consequence: missense variant. On other transcripts: non-coding transcript variant (1).
Genome position (GRCh38, 1-based): chr2:165,998,079, T>A on the plus strand (A>T on the coding strand, the complement: SCN1A is on the minus strand). VCF-style: chr2-165998079-T-A. GRCh37 (hg19) VCF-style: chr2-166854589-T-A.
Other names: c.4351A>T, p.Ile1451Phe (NM_001165964.3, NM_001353957.2, NM_001353958.2); c.4435A>T, p.Ile1479Phe (NM_001202435.3, NM_001353948.2); c.1993A>T, p.Ile665Phe (NM_001353961.2); c.4402A>T, p.Ile1468Phe (NM_006920.6, NM_001353949.2, NM_001353950.2 and 2 more transcripts); c.4399A>T, p.Ile1467Phe (NM_001353954.2, NM_001353955.2); c.4348A>T, p.Ile1450Phe (NM_001353960.2); short protein forms I1450F, I1451F, I1467F, I1468F, I1479F, I665F.
Identifiers: ClinVar variation 3389835 (VCV003389835.14).